The following is an entry in ClinVar:

ClinVar aggregate classification (germline): Uncertain significance (1 of 4 stars; one submission).

Allele frequency attached by ClinVar (database versions not stated): TOPMed below 0.00001; gnomAD 0.00001.
gnomAD v4.1: 22 of 1,612,710 alleles (0.0014%); highest among the groups gnomAD compares: Non-Finnish European, 0.0018%; no homozygotes.

Submission:

Laboratory for Molecular Medicine, Mass General Brigham Personalized Medicine
Classification: Uncertain significance. Last evaluated: 2016-02-02. Review status: criteria provided, single submitter. Criteria: LMM Criteria. Collection method: clinical testing. Allele origin: germline. Observed: 1 variant allele.
Comment: The p.Ile1097Thr variant in OTOF has not been previously reported in individuals with hearing loss, but has been identified in 1/11514 Latino chromosomes by the Exome Aggregation Consortium (ExAC; dbSNP rs764 162969). Computational prediction tools and conservation analysis do not provide strong support for or against an impact to the protein. This variant is locate d at the second nucleotide of the exon, which is part of the 3' splice region. Computational tools do not predict an impact to splicing; however, this data is not predictive enough to rule out pathogenicity. In summary, the clinical signif icance of the p.Ile1097Thr variant is uncertain.

NM_194248.3(OTOF):c.3290T>C (p.Ile1097Thr)

Gene: OTOF (otoferlin; minus strand). Cytogenetic location: 2p23.3.
Variant type: single nucleotide variant.
Coding change: c.3290T>C on transcript NM_194248.3 (MANE Select); coding-DNA position 3290, T replaced by C.
Protein change: p.Ile1097Thr; replaces isoleucine 1097 with threonine.
Molecular consequence: missense variant.
Genome position (GRCh38, 1-based): chr2:26,474,109, A>G on the plus strand (T>C on the coding strand, the complement: OTOF is on the minus strand). VCF-style: chr2-26474109-A-G. GRCh37 (hg19) VCF-style: chr2-26696977-A-G.
Other names: c.3290T>C, p.Ile1097Thr (NM_001287489.2); c.1049T>C, p.Ile350Thr (NM_004802.4, NM_194323.3); c.1220T>C, p.Ile407Thr (NM_194322.3); short protein forms I1097T, I350T, I407T.
Identifiers: ClinVar variation 229074 (VCV000229074.5), dbSNP rs764162969, ClinGen allele CA1563594.